The following is an entry in ClinVar:

NM_006796.3(AFG3L2):c.1026+2T>G

Gene: AFG3L2 (AFG3 like matrix AAA peptidase subunit 2; minus strand). Cytogenetic location: 18p11.21.
Variant type: single nucleotide variant.
Coding change: c.1026+2T>G on transcript NM_006796.3 (MANE Select); the canonical splice donor site of the intron after coding-DNA position 1026, T replaced by G.
Molecular consequence: splice donor variant.
Genome position (GRCh38, 1-based): chr18:12,358,668, A>C on the plus strand (T>G on the coding strand, the complement: AFG3L2 is on the minus strand). VCF-style: chr18-12358668-A-C. GRCh37 (hg19) VCF-style: chr18-12358667-A-C.
Identifiers: ClinVar variation 4292705 (VCV004292705.1).

ClinVar aggregate classification (germline): Likely pathogenic (1 of 4 stars; one submission).

Conditions:
Spastic ataxia 5. Also called: Spastic Ataxia Type 5 (SPAX5). Identifiers: Orphanet 313772, MedGen C3280977, MONDO:0013776, OMIM 614487.

Submission:

3billion
Classification: Likely pathogenic for Spastic ataxia 5. Last evaluated: 2024-07-22. Review status: criteria provided, single submitter. Criteria: ACMG Guidelines, 2015. Collection method: clinical testing. Allele origin: germline. Affected: yes.
Comment: The variant is not observed in the gnomAD v4.0.0 dataset. Predicted Consequence/Location: Canonical splice site: predicted to alter splicing and result in a loss or disruption of normal protein function. Multiple pathogenic loss-of-function variants are reported downstream of the variant. In silico tools predict the variant to alter splicing and produce an abnormal transcript [SpliceAI: 1.00 (spliceogenicity >=0.2, non-spliceogenicity <0.1)]. Therefore, this variant is classified as Likely pathogenic according to the recommendation of ACMG/AMP guideline.